The following is an entry in ClinVar:

NM_033641.4(COL4A6):c.1885C>T (p.Arg629Cys)

Gene: COL4A6 (collagen type IV alpha 6 chain; minus strand). Cytogenetic location: Xq22.3.
Variant type: single nucleotide variant.
Coding change: c.1885C>T on transcript NM_033641.4 (MANE Select); coding-DNA position 1885, C replaced by T.
Protein change: p.Arg629Cys; replaces arginine 629 with cysteine.
Molecular consequence: missense variant.
Genome position (GRCh38, 1-based): chrX:108,187,162, G>A on the plus strand (C>T on the coding strand, the complement: COL4A6 is on the minus strand). VCF-style: chrX-108187162-G-A. GRCh37 (hg19) VCF-style: chrX-107430392-G-A.
Other names: c.1885C>T, p.Arg629Cys (NM_001287758.2, NM_001287759.2, NM_001287760.2); c.1888C>T, p.Arg630Cys (NM_001847.4); short protein forms R629C, R630C.
Identifiers: ClinVar variation 2661165 (VCV002661165.27), dbSNP rs766762324, ClinGen allele CA10487752.

ClinVar aggregate classification (germline): Uncertain significance. Review status: criteria provided, multiple submitters, no conflicts (2 of 4 stars). 2 submissions from 2 submitters: Uncertain significance (2). Last evaluated 2024-02-28.

Allele frequency attached by ClinVar (database versions not stated): TOPMed below 0.00001; ExAC 0.00001.
gnomAD v4.1: 17 of 1,195,920 alleles (0.0014%); highest among the groups gnomAD compares: South Asian, 0.0018%; no homozygotes.

Submissions (2):

Labcorp Genetics (formerly Invitae), Labcorp
Classification: Uncertain significance. Last evaluated: 2024-02-28. Review status: criteria provided, single submitter. Criteria: Invitae Variant Classification Sherloc (09022015). Collection method: clinical testing. Allele origin: germline.
Comment: This sequence change replaces arginine, which is basic and polar, with cysteine, which is neutral and slightly polar, at codon 630 of the COL4A6 protein (p.Arg630Cys). This variant is present in population databases (rs766762324, gnomAD 0.006%). This variant has not been reported in the literature in individuals affected with COL4A6-related conditions. ClinVar contains an entry for this variant (Variation ID: 2661165). Advanced modeling of protein sequence and biophysical properties (such as structural, functional, and spatial information, amino acid conservation, physicochemical variation, residue mobility, and thermodynamic stability) performed at Invitae indicates that this missense variant is not expected to disrupt COL4A6 protein function with a negative predictive value of 80%. In summary, the available evidence is currently insufficient to determine the role of this variant in disease. Therefore, it has been classified as a Variant of Uncertain Significance.

CeGaT Center for Human Genetics Tuebingen
Classification: Uncertain significance. Last evaluated: 2023-01-01. Review status: criteria provided, single submitter. Criteria: CeGaT Center For Human Genetics Tuebingen Variant Classification Criteria Version 2. Collection method: clinical testing. Allele origin: germline. Affected: yes. Observed: 1 variant allele.